The following is an entry in ClinVar:

ClinVar aggregate classification (germline): Uncertain significance (1 of 4 stars; one submission).

Conditions:
Brachyolmia-amelogenesis imperfecta syndrome. Also called: PLATYSPONDYLY WITH AMELOGENESIS IMPERFECTA; Tooth agenesis, selective, 6; Dental anomalies and short stature. Identifiers: Orphanet 2899, MedGen C1832594, MONDO:0011018, OMIM 601216. Disease mechanism: loss of function.

Submission:

Labcorp Genetics (formerly Invitae), Labcorp
Classification: Uncertain significance for Brachyolmia-amelogenesis imperfecta syndrome. Last evaluated: 2024-06-05. Review status: criteria provided, single submitter. Criteria: Invitae Variant Classification Sherloc (09022015). Collection method: clinical testing. Allele origin: germline.
Comment: This sequence change replaces alanine, which is neutral and non-polar, with serine, which is neutral and polar, at codon 187 of the LTBP3 protein (p.Ala187Ser). This variant is not present in population databases (gnomAD no frequency). This variant has not been reported in the literature in individuals affected with LTBP3-related conditions. An algorithm developed to predict the effect of missense changes on protein structure and function (PolyPhen-2) suggests that this variant is likely to be disruptive. In summary, the available evidence is currently insufficient to determine the role of this variant in disease. Therefore, it has been classified as a Variant of Uncertain Significance.

NM_001130144.3(LTBP3):c.559G>T (p.Ala187Ser)

Gene: LTBP3 (latent transforming growth factor beta binding protein 3; minus strand). Cytogenetic location: 11q13.1.
Variant type: single nucleotide variant.
Coding change: c.559G>T on transcript NM_001130144.3 (MANE Select); coding-DNA position 559, G replaced by T.
Protein change: p.Ala187Ser; replaces alanine 187 with serine.
Molecular consequence: missense variant.
Genome position (GRCh38, 1-based): chr11:65,554,153, C>A on the plus strand (G>T on the coding strand, the complement: LTBP3 is on the minus strand). VCF-style: chr11-65554153-C-A. GRCh37 (hg19) VCF-style: chr11-65321624-C-A.
Other names: c.208G>T, p.Ala70Ser (NM_001164266.1); c.559G>T, p.Ala187Ser (NM_021070.4); short protein forms A187S, A70S.
Identifiers: ClinVar variation 3606885 (VCV003606885.2).